The following is an entry in ClinVar:

NM_181486.4(TBX5):c.*563G>A

Gene: TBX5 (T-box transcription factor 5; minus strand). Cytogenetic location: 12q24.21.
Variant type: single nucleotide variant.
Coding change: c.*563G>A on transcript NM_181486.4 (MANE Select); 563 bases downstream of the stop codon, G replaced by A.
Molecular consequence: 3 prime UTR variant.
Genome position (GRCh38, 1-based): chr12:114,354,969, C>T on the plus strand (G>A on the coding strand, the complement: TBX5 is on the minus strand). VCF-style: chr12-114354969-C-T. GRCh37 (hg19) VCF-style: chr12-114792774-C-T.
Other names: c.*563G>A (NM_000192.3, NM_080717.4).
Identifiers: ClinVar variation 307291 (VCV000307291.5), dbSNP rs78058633, ClinGen allele CA10640320.
Genomic context (GRCh38, chr12:114,354,969, plus strand): 5'-CAGAGGCTTTTCAGAAACATCACATGGCAGAGGTAGGTGCTTTTCTTAGTCAAGGGGAAA[C>T]GTGAATTTAGGTTTCAGGGATGGTTTACTTGAAGGGAATCCCGCAAGTACATATTTTGAA-3'

ClinVar aggregate classification (germline): Benign (1 of 4 stars; one submission).

Conditions:
Holt-Oram syndrome (HOS). Also called: Ventriculo-radial syndrome; Cardiac-limb syndrome; Heart-hand syndrome, type 1; TBX5-Related Holt-Oram Syndrome. Identifiers: Orphanet 392, MedGen C0265264, MONDO:0007732, OMIM 142900.

Allele frequency attached by ClinVar (database versions not stated): TOPMed 0.00026; gnomAD 0.00013 and 0.00018; 1000 Genomes Project 0.00040; gnomAD exomes 0.00055; 1000 Genomes Project 30x 0.00062.

Submission:

Illumina Laboratory Services, Illumina
Classification: Benign for Holt-Oram syndrome. Last evaluated: 2018-01-13. Review status: criteria provided, single submitter. Criteria: ICSL Variant Classification Criteria 13 December 2019. Collection method: clinical testing. Allele origin: germline.
Comment: This variant was observed in the ICSL laboratory as part of a predisposition screen in an ostensibly healthy population. It had not been previously curated by ICSL or reported in the Human Gene Mutation Database (HGMD: prior to June 1st, 2018), and was therefore a candidate for classification through an automated scoring system. Utilizing variant allele frequency, disease prevalence and penetrance estimates, and inheritance mode, an automated score was calculated to assess if this variant is too frequent to cause the disease. Based on the score and internal cut-off values, a variant classified as benign is not then subjected to further curation. The score for this variant resulted in a classification of benign for this disease.